The following is an entry in ClinVar:

NM_145239.3(PRRT2):c.571G>T (p.Asp191Tyr)

Genes: MVP-DT (MVP divergent transcript; minus strand), PRRT2 (proline rich transmembrane protein 2; plus strand). Cytogenetic location: 16p11.2.
Variant type: single nucleotide variant.
Coding change: c.571G>T on transcript NM_145239.3 (MANE Select); coding-DNA position 571, G replaced by T.
Protein change: p.Asp191Tyr; replaces aspartic acid 191 with tyrosine.
Molecular consequence: missense variant.
Genome position (GRCh38, 1-based): chr16:29,813,625, G>T. VCF-style: chr16-29813625-G-T. GRCh37 (hg19) VCF-style: chr16-29824946-G-T.
Other names: c.571G>T, p.Asp191Tyr (NM_001256442.2, NM_001256443.2); short protein forms D191Y.
Identifiers: ClinVar variation 1383448 (VCV001383448.6), dbSNP rs2142425379, ClinGen allele CA395478977.

ClinVar aggregate classification (germline): Uncertain significance (1 of 4 stars; one submission).

Conditions:
Episodic kinesigenic dyskinesia (EKD). Also called: Paroxysmal kinesigenic dyskinesia. Identifiers: Orphanet 98809, MedGen C1868682, MONDO:0044202.

gnomAD v4.1: 15 of 1,613,304 alleles (0.00093%); highest among the groups gnomAD compares: Non-Finnish European, 0.0013%; no homozygotes.

Submission:

Labcorp Genetics (formerly Invitae), Labcorp
Classification: Uncertain significance for Episodic kinesigenic dyskinesia. Last evaluated: 2024-08-02. Review status: criteria provided, single submitter. Criteria: Invitae Variant Classification Sherloc (09022015). Collection method: clinical testing. Allele origin: germline.
Comment: This sequence change replaces aspartic acid, which is acidic and polar, with tyrosine, which is neutral and polar, at codon 191 of the PRRT2 protein (p.Asp191Tyr). This variant is not present in population databases (gnomAD no frequency). This variant has not been reported in the literature in individuals affected with PRRT2-related conditions. ClinVar contains an entry for this variant (Variation ID: 1383448). Advanced modeling of protein sequence and biophysical properties (such as structural, functional, and spatial information, amino acid conservation, physicochemical variation, residue mobility, and thermodynamic stability) performed at Invitae indicates that this missense variant is not expected to disrupt PRRT2 protein function with a negative predictive value of 95%. In summary, the available evidence is currently insufficient to determine the role of this variant in disease. Therefore, it has been classified as a Variant of Uncertain Significance.